The following is an entry in ClinVar:

ClinVar aggregate classification (germline): Uncertain significance (1 of 4 stars; one submission).

Allele frequency attached by ClinVar (database versions not stated): gnomAD exomes 0.00001.
gnomAD v4.1: 4 of 1,600,718 alleles (0.00025%); highest among the groups gnomAD compares: Admixed American, 0.0067%; no homozygotes.

Submission:

Labcorp Genetics (formerly Invitae), Labcorp
Classification: Uncertain significance. Last evaluated: 2022-02-04. Review status: criteria provided, single submitter. Criteria: Invitae Variant Classification Sherloc (09022015). Collection method: clinical testing. Allele origin: germline.
Comment: This sequence change replaces valine, which is neutral and non-polar, with leucine, which is neutral and non-polar, at codon 1644 of the ADGRV1 protein (p.Val1644Leu). This variant is present in population databases (no rsID available, gnomAD 0.006%). This variant has not been reported in the literature in individuals affected with ADGRV1-related conditions. Algorithms developed to predict the effect of missense changes on protein structure and function are either unavailable or do not agree on the potential impact of this missense change (SIFT: "Deleterious"; PolyPhen-2: "Probably Damaging"; Align-GVGD: "Class C0"). Algorithms developed to predict the effect of sequence changes on RNA splicing suggest that this variant may disrupt the consensus splice site. In summary, the available evidence is currently insufficient to determine the role of this variant in disease. Therefore, it has been classified as a Variant of Uncertain Significance.

NM_032119.4(ADGRV1):c.4930G>C (p.Val1644Leu)

Gene: ADGRV1 (adhesion G protein-coupled receptor V1; plus strand). Cytogenetic location: 5q14.3.
Variant type: single nucleotide variant.
Coding change: c.4930G>C on transcript NM_032119.4 (MANE Select); coding-DNA position 4930, G replaced by C.
Protein change: p.Val1644Leu; replaces valine 1644 with leucine.
Molecular consequence: missense variant. On other transcripts: non-coding transcript variant (1).
Genome position (GRCh38, 1-based): chr5:90,674,054, G>C. VCF-style: chr5-90674054-G-C. GRCh37 (hg19) VCF-style: chr5-89969871-G-C.
Other names: short protein forms V1644L.
Identifiers: ClinVar variation 1472414 (VCV001472414.5), dbSNP rs1166292525, ClinGen allele CA360407412.